The following is an entry in ClinVar:

ClinVar aggregate classification (germline): Pathogenic (1 of 4 stars; one submission).

Submission:

Labcorp Genetics (formerly Invitae), Labcorp
Classification: Pathogenic. Last evaluated: 2017-04-11. Review status: criteria provided, single submitter. Criteria: Invitae Variant Classification Sherloc (09022015). Collection method: clinical testing. Allele origin: germline.
Comment: Algorithms developed to predict the effect of missense changes on protein structure and function do not agree on the potential impact of this missense change (SIFT: "Deleterious"; PolyPhen-2: "Probably Damaging"; Align-GVGD: "Class C0"). This variant is not present in population databases (ExAC no frequency). This sequence change replaces proline with arginine at codon 1726 of the NSD1 protein (p.Pro1726Arg). The proline residue is moderately conserved and there is a moderate physicochemical difference between proline and arginine. For these reasons, this variant has been classified as Pathogenic.

Literature cited by the submitters: PubMed 26690673.

NM_022455.5(NSD1):c.5177C>G (p.Pro1726Arg)

Gene: NSD1 (nuclear receptor binding SET domain protein 1; plus strand). Cytogenetic location: 5q35.3.
Variant type: single nucleotide variant.
Coding change: c.5177C>G on transcript NM_022455.5 (MANE Select); coding-DNA position 5177, C replaced by G.
Protein change: p.Pro1726Arg; replaces proline 1726 with arginine.
Molecular consequence: missense variant.
Genome position (GRCh38, 1-based): chr5:177,267,592, C>G. VCF-style: chr5-177267592-C-G. GRCh37 (hg19) VCF-style: chr5-176694593-C-G.
Other names: c.4304C>G, p.Pro1435Arg (NM_001365684.2, NM_001409308.1, NM_001409309.1 and 1 more transcripts); c.5177C>G, p.Pro1726Arg (NM_001409301.1, NM_001409302.1, NM_001409303.1); c.4757C>G, p.Pro1586Arg (NM_001409304.1); c.4424C>G, p.Pro1475Arg (NM_001409305.1); c.4415C>G, p.Pro1472Arg (NM_001409306.1, NM_001409307.1); short protein forms P1726R, P1457R, P1435R, P1475R, P1586R, P1472R.
Identifiers: ClinVar variation 454055 (VCV000454055.10), dbSNP rs1554201713, ClinGen allele CA362305569.